The following is an entry in ClinVar:

ClinVar aggregate classification (germline): Likely benign (1 of 4 stars; one submission).

Submission:

CeGaT Center for Human Genetics Tuebingen
Classification: Likely benign. Last evaluated: 2025-08-01. Review status: criteria provided, single submitter. Criteria: CeGaT Center For Human Genetics Tuebingen Variant Classification Criteria Version 2. Collection method: clinical testing. Allele origin: germline. Affected: yes. Observed: 1 variant allele.
Comment: BLM: PM2:Supporting, BP4, BP7

NM_000057.4(BLM):c.2895T>C (p.Ser965=)

Gene: BLM (BLM RecQ like helicase; plus strand). Cytogenetic location: 15q26.1.
Variant type: single nucleotide variant.
Coding change: c.2895T>C on transcript NM_000057.4 (MANE Select); coding-DNA position 2895, T replaced by C.
Protein change: p.Ser965=; no amino-acid change (serine 965 retained).
Molecular consequence: synonymous variant.
Genome position (GRCh38, 1-based): chr15:90,790,720, T>C. VCF-style: chr15-90790720-T-C. GRCh37 (hg19) VCF-style: chr15-91333950-T-C.
Other names: c.2895T>C, p.Ser965= (NM_001287246.2, NM_001287247.2); c.1770T>C, p.Ser590= (NM_001287248.2).
Identifiers: ClinVar variation 4085765 (VCV004085765.8).